The following is an entry in ClinVar:

ClinVar aggregate classification (germline): Conflicting classifications of pathogenicity. Review status: criteria provided, conflicting classifications (1 of 4 stars). 4 submissions from 4 submitters: Uncertain significance (1); Benign (1); Likely benign (1). 1 of the submissions does not count toward it. Last evaluated 2026-07-22.

Conditions:
Rubinstein-Taybi syndrome due to EP300 haploinsufficiency. Also called: EP300-Related Rubinstein-Taybi Syndrome; RUBINSTEIN-TAYBI SYNDROME 2. Identifiers: Orphanet 353284, Orphanet 783, MedGen C3150941, MONDO:0013364, OMIM 613684.
EP300-related disorder. Also called: EP300-related condition; EP300-related disorders.

Allele frequency attached by ClinVar (database versions not stated): gnomAD exomes 0.00005; ExAC 0.00006; gnomAD 0.00006; TOPMed 0.00008.
gnomAD v4.1: 133 of 1,613,990 alleles (0.0082%); highest among the groups gnomAD compares: Non-Finnish European, 0.0092%; no homozygotes.

Submissions (4):

PreventionGenetics, part of Exact Sciences
Classification: Uncertain significance for EP300-related condition. Last evaluated: 2026-07-22. Review status: criteria provided, single submitter. Criteria: ACMG Guidelines, 2015. Collection method: clinical testing. Allele origin: germline.
Comment: The EP300 c.7114A>G variant is predicted to result in the amino acid substitution p.Met2372Val. To our knowledge, this variant has not been reported in the literature. This variant is reported in 0.0085% of alleles in individuals of European (Non-Finnish) descent in gnomAD. At this time, the clinical significance of this variant is uncertain due to the absence of conclusive functional and genetic evidence.

Labcorp Genetics (formerly Invitae), Labcorp
Classification: Benign for Rubinstein-Taybi syndrome due to EP300 haploinsufficiency. Last evaluated: 2025-10-26. Review status: criteria provided, single submitter. Criteria: Invitae Variant Classification Sherloc (09022015). Collection method: clinical testing. Allele origin: germline.

Blueprint Genetics
Classification: Likely benign. Last evaluated: 2024-06-28. Review status: criteria provided, single submitter. Criteria: ACMG Guidelines, 2015. Collection method: clinical testing. Allele origin: germline.

Pediatric Oncology, Johns Hopkins University
Classification: Uncertain significance. Last evaluated: 2019-02-15. Review status: no assertion criteria provided. Collection method: clinical testing. Allele origin: somatic. Affected: no. Not counted in ClinVar's aggregate classification.

NM_001429.4(EP300):c.7114A>G (p.Met2372Val)

Gene: EP300 (EP300 lysine acetyltransferase; plus strand). Cytogenetic location: 22q13.2.
Variant type: single nucleotide variant.
Coding change: c.7114A>G on transcript NM_001429.4 (MANE Select); coding-DNA position 7114, A replaced by G.
Protein change: p.Met2372Val; replaces methionine 2372 with valine.
Molecular consequence: missense variant.
Genome position (GRCh38, 1-based): chr22:41,178,825, A>G. VCF-style: chr22-41178825-A-G. GRCh37 (hg19) VCF-style: chr22-41574829-A-G.
Other names: c.7036A>G, p.Met2346Val (NM_001362843.2); short protein forms M2372V, M2346V.
Identifiers: ClinVar variation 805999 (VCV000805999.16), dbSNP rs768061933, ClinGen allele CA10254034.